The following is an entry in ClinVar:

NM_001614.5(ACTG1):c.609G>A (p.Thr203=)

Gene: ACTG1 (actin gamma 1; minus strand). Cytogenetic location: 17q25.3.
Variant type: single nucleotide variant.
Coding change: c.609G>A on transcript NM_001614.5 (MANE Select); coding-DNA position 609, G replaced by A.
Protein change: p.Thr203=; no amino-acid change (threonine 203 retained).
Molecular consequence: synonymous variant. On other transcripts: non-coding transcript variant (1).
Genome position (GRCh38, 1-based): chr17:81,511,381, C>T on the plus strand (G>A on the coding strand, the complement: ACTG1 is on the minus strand). VCF-style: chr17-81511381-C-T. GRCh37 (hg19) VCF-style: chr17-79478407-C-T.
Other names: c.609G>A, p.Thr203= (NM_001199954.3).
Identifiers: ClinVar variation 379381 (VCV000379381.32), dbSNP rs148528303, ClinGen allele CA8836037.

ClinVar aggregate classification (germline): Likely benign. Review status: criteria provided, multiple submitters, no conflicts (2 of 4 stars). 5 submissions from 5 submitters: Likely benign (4). 1 of the submissions does not count toward it. Last evaluated 2025-11-13.

Conditions:
Autosomal dominant nonsyndromic hearing loss 20. Identifiers: Orphanet 90635, MedGen C1858172, MONDO:0011480, OMIM 604717.
Baraitser-winter syndrome 2. Identifiers: Orphanet 2995, MedGen C3281235, MONDO:0013812, OMIM 614583.
ACTG1-related disorder. Also called: ACTG1-related condition; ACTG1-related disorders.

Allele frequency attached by ClinVar (database versions not stated): gnomAD 0.00006 and 0.00007; ESP Exome Variant Server 0.00008; gnomAD exomes 0.00008 and 0.00016; ExAC 0.00009; TOPMed 0.00011.
gnomAD v4.1: 254 of 1,613,802 alleles (0.016%); highest among the groups gnomAD compares: Non-Finnish European, 0.019%; no homozygotes.

Submissions (5):

Labcorp Genetics (formerly Invitae), Labcorp
Classification: Likely benign for Baraitser-winter syndrome 2; Autosomal dominant nonsyndromic hearing loss 20. Last evaluated: 2025-11-13. Review status: criteria provided, single submitter. Criteria: Invitae Variant Classification Sherloc (09022015). Collection method: clinical testing. Allele origin: germline.

Blueprint Genetics
Classification: Likely benign. Last evaluated: 2024-07-31. Review status: criteria provided, single submitter. Criteria: ACMG Guidelines, 2015. Collection method: clinical testing. Allele origin: germline.

CeGaT Center for Human Genetics Tuebingen
Classification: Likely benign. Last evaluated: 2023-08-01. Review status: criteria provided, single submitter. Criteria: CeGaT Center For Human Genetics Tuebingen Variant Classification Criteria Version 2. Collection method: clinical testing. Allele origin: germline. Affected: yes. Observed: 2 variant alleles.
Comment: ACTG1: BP4, BP7

GeneDx
Classification: Likely benign. Last evaluated: 2020-09-01. Review status: criteria provided, single submitter. Criteria: GeneDx Variant Classification Process June 2021. Collection method: clinical testing. Allele origin: germline. Affected: yes.

PreventionGenetics, part of Exact Sciences
Classification: Likely benign for ACTG1-related condition. Last evaluated: 2023-07-22. Review status: no assertion criteria provided. Collection method: clinical testing. Allele origin: germline. Not counted in ClinVar's aggregate classification.
Comment: This variant is classified as likely benign based on ACMG/AMP sequence variant interpretation guidelines (Richards et al. 2015 PMID: 25741868, with internal and published modifications).